The following is an entry in ClinVar:

NM_004044.7(ATIC):c.165G>A (p.Thr55=)

Gene: ATIC (5-aminoimidazole-4-carboxamide ribonucleotide formyltransferase/IMP cyclohydrolase; plus strand). Cytogenetic location: 2q35.
Variant type: single nucleotide variant.
Coding change: c.165G>A on transcript NM_004044.7 (MANE Select); coding-DNA position 165, G replaced by A.
Protein change: p.Thr55=; no amino-acid change (threonine 55 retained).
Molecular consequence: synonymous variant.
Genome position (GRCh38, 1-based): chr2:215,318,175, G>A. VCF-style: chr2-215318175-G-A. GRCh37 (hg19) VCF-style: chr2-216182898-G-A.
Identifiers: ClinVar variation 2085654 (VCV002085654.29), dbSNP rs754454433, ClinGen allele CA2092809.

ClinVar aggregate classification (germline): Likely benign. Review status: criteria provided, multiple submitters, no conflicts (2 of 4 stars). 2 submissions from 2 submitters: Likely benign (2). Last evaluated 2025-03-03.

Allele frequency attached by ClinVar (database versions not stated): gnomAD 0.00006; gnomAD exomes 0.00006; TOPMed 0.00006; ExAC 0.00013.
gnomAD v4.1: 107 of 1,614,028 alleles (0.0066%); highest among the groups gnomAD compares: Middle Eastern, 0.049%; no homozygotes.

Submissions (5):

Labcorp Genetics (formerly Invitae), Labcorp
Classification: Likely benign. Last evaluated: 2025-03-03. Review status: criteria provided, single submitter. Criteria: Invitae Variant Classification Sherloc (09022015). Collection method: clinical testing. Allele origin: germline.

CeGaT Center for Human Genetics Tuebingen
Classification: Likely benign. Last evaluated: 2022-09-01. Review status: criteria provided, single submitter. Criteria: CeGaT Center For Human Genetics Tuebingen Variant Classification Criteria Version 2. Collection method: clinical testing. Allele origin: germline. Affected: yes. Observed: 2 variant alleles.
Comment: ATIC: BP4, BP7

Dr. Peter K. Rogan Lab, Western University
No classification provided (evidence only). Condition: Familial cancer of breast. Review status: no classification provided. Collection method: in vitro. Allele origin: not applicable. Functional consequence: retained intron. Not counted in ClinVar's aggregate classification.

Dr. Peter K. Rogan Lab, Western University
No classification provided (evidence only). Condition: Ovarian serous cystadenocarcinoma. Review status: no classification provided. Collection method: in vitro. Allele origin: not applicable. Functional consequence: retained intron. Not counted in ClinVar's aggregate classification.

Dr. Peter K. Rogan Lab, Western University
No classification provided (evidence only). Condition: Gastric cancer. Review status: no classification provided. Collection method: in vitro. Allele origin: not applicable. Functional consequence: retained intron. Not counted in ClinVar's aggregate classification.